The following is an entry in ClinVar:

ClinVar aggregate classification (germline): Uncertain significance. Review status: criteria provided, multiple submitters, no conflicts (2 of 4 stars). 6 submissions from 6 submitters: Uncertain significance (6). Last evaluated 2026-09-16.

Conditions:
CEP164-related disorder. Also called: CEP164-related condition.
Inborn genetic diseases. Identifiers: MedGen C0950123, MeSH D030342.
Nephronophthisis 15 (NPHP15). Identifiers: Orphanet 3156, MedGen C3541853, MONDO:0013917, OMIM 614845.

Allele frequency attached by ClinVar (database versions not stated): ESP Exome Variant Server 0.00023.
gnomAD v4.1: 276 of 1,614,106 alleles (0.017%); highest among the groups gnomAD compares: Non-Finnish European, 0.022%; no homozygotes.

Submissions (6):

PreventionGenetics, part of Exact Sciences
Classification: Uncertain significance for CEP164-related condition. Last evaluated: 2026-09-16. Review status: criteria provided, single submitter. Criteria: ACMG Guidelines, 2015. Collection method: clinical testing. Allele origin: germline.
Comment: The CEP164 c.3416G>T variant is predicted to result in the amino acid substitution p.Arg1139Leu. To our knowledge, this variant has not been reported in the literature. This variant is reported in 0.025% of alleles in individuals of European (non-Finnish) descent in gnomAD. At this time, the clinical significance of this variant is uncertain due to the absence of conclusive functional and genetic evidence.

GeneDx
Classification: Uncertain significance. Last evaluated: 2026-03-05. Review status: criteria provided, single submitter. Criteria: GeneDx Variant Classification Process June 2021. Collection method: clinical testing. Allele origin: germline.
Comment: In silico analysis supports that this missense variant has a deleterious effect on protein structure/function; Has not been previously published as pathogenic or benign to our knowledge

Blueprint Genetics
Classification: Uncertain significance. Last evaluated: 2024-10-02. Review status: criteria provided, single submitter. Criteria: ACMG Guidelines, 2015. Collection method: clinical testing. Allele origin: germline.

Fulgent Genetics
Classification: Uncertain significance for Nephronophthisis 15. Last evaluated: 2024-05-01. Review status: criteria provided, single submitter. Criteria: ACMG Guidelines, 2015. Collection method: clinical testing. Allele origin: germline.

Labcorp Genetics (formerly Invitae), Labcorp
Classification: Uncertain significance for Nephronophthisis 15. Last evaluated: 2022-09-01. Review status: criteria provided, single submitter. Criteria: Invitae Variant Classification Sherloc (09022015). Collection method: clinical testing. Allele origin: germline.
Comment: This sequence change replaces arginine, which is basic and polar, with leucine, which is neutral and non-polar, at codon 1139 of the CEP164 protein (p.Arg1139Leu). This variant is present in population databases (rs143802594, gnomAD 0.02%). This variant has not been reported in the literature in individuals affected with CEP164-related conditions. ClinVar contains an entry for this variant (Variation ID: 1051143). Algorithms developed to predict the effect of missense changes on protein structure and function are either unavailable or do not agree on the potential impact of this missense change (SIFT: "Deleterious"; PolyPhen-2: "Possibly Damaging"; Align-GVGD: "Class C0"). In summary, the available evidence is currently insufficient to determine the role of this variant in disease. Therefore, it has been classified as a Variant of Uncertain Significance.

Ambry Genetics
Classification: Uncertain significance for Inborn genetic diseases. Last evaluated: 2021-09-17. Review status: criteria provided, single submitter. Criteria: Ambry Variant Classification Scheme 2023. Collection method: clinical testing. Allele origin: germline.

NM_014956.5(CEP164):c.3416G>T (p.Arg1139Leu)

Gene: CEP164 (centrosomal protein 164; plus strand). Cytogenetic location: 11q23.3.
Variant type: single nucleotide variant.
Coding change: c.3416G>T on transcript NM_014956.5 (MANE Select); coding-DNA position 3416, G replaced by T.
Protein change: p.Arg1139Leu; replaces arginine 1139 with leucine.
Molecular consequence: missense variant.
Genome position (GRCh38, 1-based): chr11:117,397,228, G>T. VCF-style: chr11-117397228-G-T. GRCh37 (hg19) VCF-style: chr11-117267944-G-T.
Other names: c.3425G>T, p.Arg1142Leu (NM_001271933.2); c.3416G>T (NM_014956.4); short protein forms R1139L, R1142L.
Identifiers: ClinVar variation 1051143 (VCV001051143.10), dbSNP rs143802594, ClinGen allele CA6295446.